The following is an entry in ClinVar:

ClinVar aggregate classification (germline): Uncertain significance (1 of 4 stars; one submission).

Conditions:
Hereditary cancer-predisposing syndrome. Also called: Neoplastic Syndromes, Hereditary; Tumor predisposition; Hereditary Cancer Syndrome; Hereditary neoplastic syndrome. Identifiers: Orphanet 140162, MedGen C0027672, MeSH D009386, MONDO:0015356.

Submission:

Color Diagnostics, LLC DBA Color Health
Classification: Uncertain significance for Hereditary cancer-predisposing syndrome. Last evaluated: 2020-01-07. Review status: criteria provided, single submitter. Criteria: ACMG Guidelines, 2015. Collection method: clinical testing. Allele origin: germline.
Comment: This variant causes a T>G nucleotide substitution at the -12 position of intron 10 of the BRCA2 gene. To our knowledge, functional studies have not been performed for this variant. This variant is not predicted to cause abnormal splicing, however the T>G transversion may impact the polypyrimidine tract. This variant has not been reported in individuals affected with hereditary cancer in the literature. This variant has not been identified in the general population by the Genome Aggregation Database (gnomAD). The available evidence is insufficient to determine the role of this variant in disease conclusively. Therefore, this variant is classified as a Variant of Uncertain Significance.

NM_000059.4(BRCA2):c.1910-12T>G

Gene: BRCA2 (BRCA2 DNA repair associated; plus strand). Cytogenetic location: 13q13.1.
Variant type: single nucleotide variant.
Coding change: c.1910-12T>G on transcript NM_000059.4 (MANE Select); 12 bases into the intron before coding-DNA position 1910, T replaced by G.
Molecular consequence: intron variant.
Genome position (GRCh38, 1-based): chr13:32,336,253, T>G. VCF-style: chr13-32336253-T-G. GRCh37 (hg19) VCF-style: chr13-32910390-T-G.
Identifiers: ClinVar variation 918600 (VCV000918600.3), dbSNP rs2072446660, ClinGen allele CA1139663128.